The following is an entry in ClinVar:

NM_015114.3(ANKLE2):c.1717C>G (p.Leu573Val)

Gene: ANKLE2 (ankyrin repeat and LEM domain containing 2; minus strand). Cytogenetic location: 12q24.33.
Variant type: single nucleotide variant.
Coding change: c.1717C>G on transcript NM_015114.3 (MANE Select); coding-DNA position 1717, C replaced by G.
Protein change: p.Leu573Val; replaces leucine 573 with valine.
Molecular consequence: missense variant.
Genome position (GRCh38, 1-based): chr12:132,734,559, G>C on the plus strand (C>G on the coding strand, the complement: ANKLE2 is on the minus strand). VCF-style: chr12-132734559-G-C. GRCh37 (hg19) VCF-style: chr12-133311145-G-C.
Other names: short protein forms L573V.
Identifiers: ClinVar variation 218246 (VCV000218246.3), dbSNP rs863225465, ClinGen allele CA215062.
Genomic context (GRCh38, chr12:132,734,559, plus strand): 5'-GGGAAGACAGATCAACAAAACAGCCCAGAAATTCCCAGTATTCAACCCAGGGATACCCCA[G>C]CTCATGAGCTAGCTCCCTGTAAGAAACAAAACACAATTAACCAGCTGTGAAACCAGAAAA-3'
Protein context (NP_055929.1, residues 563-583): ERVGRELAHE[Leu573Val]GYPWVEYWEF

ClinVar aggregate classification (germline): Likely pathogenic. Review status: criteria provided, single submitter (1 of 4 stars). 2 submissions from 2 submitters: Likely pathogenic (1). 1 of the submissions does not count toward it. Last evaluated 2014-09-25.

Conditions:
Microcephaly 16, primary, autosomal recessive (MCPH16). Identifiers: Orphanet 2512, MedGen C4225249, MONDO:0014730, OMIM 616681.
Microcephaly. Also called: Microcephaly (disease). Identifiers: MedGen C4551563, MONDO:0001149, HP:0000252.

Submissions (2):

Lupski Lab, Baylor-Hopkins CMG, Baylor College of Medicine
Classification: Likely pathogenic for Microcephaly. Last evaluated: 2014-09-25. Review status: criteria provided, single submitter. Criteria: Yamamoto et al. (Cell 2014). Collection method: research. Allele origin: paternal. Inheritance: Autosomal recessive inheritance. Affected: yes and no. Observed: 3 variant alleles, 1 heterozygote, 2 compound heterozygotes.
Comment: Overexpression of human cDNA carring this variant does not rescue mutant fly

This likely pathogenic variant was found in trans with pathogenic variant c.2344C>T in two individuals with microcephaly.

OMIM
Classification: Pathogenic for MICROCEPHALY 16, PRIMARY, AUTOSOMAL RECESSIVE. Last evaluated: 2014-09-25. Review status: no assertion criteria provided. Collection method: literature only. Allele origin: germline. Not counted in ClinVar's aggregate classification.

Literature cited by the submitters: PubMed 25259927 (cited by OMIM).